The following is an entry in ClinVar:

NM_000548.5(TSC2):c.4989+3G>C

Gene: TSC2 (TSC complex subunit 2; plus strand). Cytogenetic location: 16p13.3.
Variant type: single nucleotide variant.
Coding change: c.4989+3G>C on transcript NM_000548.5 (MANE Select); 3 bases into the intron after coding-DNA position 4989, G replaced by C.
Molecular consequence: intron variant.
Genome position (GRCh38, 1-based): chr16:2,086,874, G>C. VCF-style: chr16-2086874-G-C. GRCh37 (hg19) VCF-style: chr16-2136875-G-C.
Other names: c.3447+3G>C (NM_001406693.1, NM_001406692.1, NM_001406694.1); c.4881+3G>C (NM_001406667.1); c.4878+3G>C (NM_001406668.1); c.4389+3G>C (NM_001406680.1); c.4320+3G>C (NM_001406683.1, NM_001406682.1); c.4188+3G>C (NM_001406687.1, NM_001406688.1); c.3576+3G>C (NM_001406689.1); c.3516+3G>C (NM_001406690.1); and 26 more.
Identifiers: ClinVar variation 3386181 (VCV003386181.3).

ClinVar aggregate classification (germline): Uncertain significance. Review status: criteria provided, multiple submitters, no conflicts (2 of 4 stars). 3 submissions from 3 submitters: Uncertain significance (3). Last evaluated 2024-08-23.

Conditions:
Lymphangiomyomatosis (LAM). Also called: Lymphangioleiomyomatosis, somatic; Lymphangioleiomyomatosis. Identifiers: Orphanet 538, MedGen C0751674, MONDO:0011705, OMIM 606690.
Tuberous sclerosis 2 (TSC2). Identifiers: Orphanet 805, MedGen C1860707, MONDO:0013199, OMIM 613254.
Isolated focal cortical dysplasia type II (FCORD2). Also called: Focal cortical dysplasia type II; CORTICAL DYSPLASIA OF TAYLOR. Identifiers: Orphanet 268994, MedGen C1846385, MONDO:0011818, OMIM 607341, HP:0032051.
Tuberous sclerosis syndrome (TSC). Also called: Tuberous Sclerosis Complex; Tuberous sclerosis. Identifiers: Orphanet 805, MedGen C0041341, MONDO:0001734.

Submissions (3):

All of Us Research Program, National Institutes of Health
Classification: Uncertain significance for Tuberous sclerosis syndrome. Last evaluated: 2024-08-23. Review status: criteria provided, single submitter. Criteria: ACMG Guidelines, 2015. Collection method: clinical testing. Allele origin: germline. Inheritance: Autosomal dominant inheritance. Observed: 1 variant allele, 1 heterozygote.
Comment: This variant causes a G to C nucleotide substitution at the +3 position in intron 38 of the TSC2 gene. Splice site prediction tools suggest that this variant may not impact RNA splicing. To our knowledge, functional studies have not been reported for this variant. This variant has not been reported in individuals affected with TSC2-related disorders in the literature. This variant has not been identified in the general population by the Genome Aggregation Database (gnomAD). The available evidence is insufficient to determine the role of this variant in disease conclusively. Therefore, this variant is classified as a Variant of Uncertain Significance.

This study involves interpretation of variants in research participants for the purpose of population health screening. Participant phenotype was not available at the time of variant classification. Additional details can be found in publication PMID: 35346344, PMCID: PMC8962531

Fulgent Genetics
Classification: Uncertain significance for Lymphangiomyomatosis; Isolated focal cortical dysplasia type II; Tuberous sclerosis 2. Last evaluated: 2024-03-19. Review status: criteria provided, single submitter. Criteria: ACMG Guidelines, 2015. Collection method: clinical testing. Allele origin: germline.

Blueprint Genetics
Classification: Uncertain significance. Last evaluated: 2023-09-15. Review status: criteria provided, single submitter. Criteria: ACMG Guidelines, 2015. Collection method: clinical testing. Allele origin: germline.